The following is an entry in ClinVar:

ClinVar aggregate classification (germline): Uncertain significance. Review status: criteria provided, multiple submitters, no conflicts (2 of 4 stars). 2 submissions from 2 submitters: Uncertain significance (2). Last evaluated 2025-08-31.

Submissions (2):

Ambry Genetics
Classification: Uncertain significance. Last evaluated: 2025-08-31. Review status: criteria provided, single submitter. Criteria: Ambry Variant Classification Scheme 2023. Collection method: clinical testing. Allele origin: germline.

CeGaT Center for Human Genetics Tuebingen
Classification: Uncertain significance. Last evaluated: 2024-10-01. Review status: criteria provided, single submitter. Criteria: CeGaT Center For Human Genetics Tuebingen Variant Classification Criteria Version 2. Collection method: clinical testing. Allele origin: germline. Affected: yes. Observed: 1 variant allele.
Comment: PRICKLE2: PM2

NM_198859.4(PRICKLE2):c.2284G>A (p.Gly762Arg)

Genes: PRICKLE2 (prickle planar cell polarity protein 2; minus strand), PRICKLE2-AS1 (PRICKLE2 antisense RNA 1; plus strand). Cytogenetic location: 3p14.1.
Variant type: single nucleotide variant.
Coding change: c.2284G>A on transcript NM_198859.4 (MANE Select); coding-DNA position 2284, G replaced by A.
Protein change: p.Gly762Arg; replaces glycine 762 with arginine.
Molecular consequence: missense variant. On other transcripts: non-coding transcript variant (1).
Genome position (GRCh38, 1-based): chr3:64,099,302, C>T on the plus strand (G>A on the coding strand, the complement: PRICKLE2 is on the minus strand). VCF-style: chr3-64099302-C-T. GRCh37 (hg19) VCF-style: chr3-64084978-C-T.
Other names: c.2284G>A (NM_198859.3); c.2284G>A, p.Gly762Arg (NM_001370528.1); short protein forms G762R.
Identifiers: ClinVar variation 3388095 (VCV003388095.15).